The following is an entry in ClinVar:

ClinVar aggregate classification (germline): Pathogenic (1 of 4 stars; one submission).

Conditions:
Hereditary cancer-predisposing syndrome. Also called: Tumor predisposition; Hereditary neoplastic syndrome; Hereditary Cancer Syndrome; Neoplastic Syndromes, Hereditary. Identifiers: Orphanet 140162, MedGen C0027672, MeSH D009386, MONDO:0015356.

Submission:

Ambry Genetics
Classification: Pathogenic for Hereditary cancer-predisposing syndrome. Last evaluated: 2022-11-04. Review status: criteria provided, single submitter. Criteria: Ambry Variant Classification Scheme 2023. Collection method: clinical testing. Allele origin: germline.
Comment: The c.730delT pathogenic mutation, located in coding exon 1 of the AXIN2 gene, results from a deletion of one nucleotide at nucleotide position 730, causing a translational frameshift with a predicted alternate stop codon (p.S244Rfs*12). This alteration is expected to result in loss of function by premature protein truncation or nonsense-mediated mRNA decay. As such, this alteration is interpreted as a disease-causing mutation.

NM_004655.4(AXIN2):c.730del (p.Ser244fs)

Gene: AXIN2 (axin 2; minus strand). Cytogenetic location: 17q24.1.
Variant type: Deletion.
Coding change: c.730del on transcript NM_004655.4 (MANE Select); coding-DNA position 730, one base deleted (T; older notation c.730delT).
Protein change: p.Ser244fs; shifts the reading frame from serine 244.
Molecular consequence: frameshift variant.
Genome position (GRCh38, 1-based): chr17:65,557,891, A deleted on the plus strand (T on the coding strand, the reverse complement: AXIN2 is on the minus strand); the first of 3 consecutive A bases (chr17:65,557,891-65,557,893); deleting any one gives the same sequence. VCF-style (leftmost placement, unchanged base first): chr17-65557890-GA-G. GRCh37 (hg19) VCF-style: chr17-63554008-GA-G.
Other names: c.730del, p.Ser244fs (NM_001363813.1); c.730delT (NM_004655.3); short protein forms S244fs.
Identifiers: ClinVar variation 3224412 (VCV003224412.1), dbSNP rs1056103847, ClinGen allele CA2825002591.
Genomic context (GRCh38, chr17:65,557,890, plus strand): 5'-GTGGACCTCACACTCGCCGTGGCCCTCAGAGTTTTGCTGGACAAGCCAACCACGGTTGGC[GA>G]AAGTTTGCACTTGAAGTCGGCACAAGTCCACTCCTCTTCTTCATTCAAGGTGGGGAGATA-3'